The following is an entry in ClinVar:

NM_004370.6(COL12A1):c.389T>C (p.Ile130Thr)

Gene: COL12A1 (collagen type XII alpha 1 chain; minus strand). Cytogenetic location: 6q13.
Variant type: single nucleotide variant.
Coding change: c.389T>C on transcript NM_004370.6 (MANE Select); coding-DNA position 389, T replaced by C.
Protein change: p.Ile130Thr; replaces isoleucine 130 with threonine.
Molecular consequence: missense variant. On other transcripts: intron variant (1).
Genome position (GRCh38, 1-based): chr6:75,191,706, A>G on the plus strand (T>C on the coding strand, the complement: COL12A1 is on the minus strand). VCF-style: chr6-75191706-A-G. GRCh37 (hg19) VCF-style: chr6-75901422-A-G.
Other names: c.73+11014T>C (NM_080645.3); short protein forms I130T.
Identifiers: ClinVar variation 1375937 (VCV001375937.6), dbSNP rs1769938135, ClinGen allele CA364729853.

ClinVar aggregate classification (germline): Uncertain significance (1 of 4 stars; one submission).

Conditions:
Ullrich congenital muscular dystrophy 2 (UCMD2). Identifiers: Orphanet 75840, MedGen C4225314, MONDO:0014654, OMIM 616470.
Bethlem myopathy 2 (BTHLM2). Identifiers: Orphanet 536516, Orphanet 610, MedGen C4225313, MONDO:0034022, OMIM 616471.

Allele frequency attached by ClinVar (database versions not stated): TOPMed below 0.00001; gnomAD exomes 0.00001.
gnomAD v4.1: 4 of 1,596,724 alleles (0.00025%); highest among the groups gnomAD compares: South Asian, 0.0023%; no homozygotes.

Submission:

Labcorp Genetics (formerly Invitae), Labcorp
Classification: Uncertain significance for Bethlem myopathy 2; Ullrich congenital muscular dystrophy 2. Last evaluated: 2021-08-18. Review status: criteria provided, single submitter. Criteria: Invitae Variant Classification Sherloc (09022015). Collection method: clinical testing. Allele origin: germline.
Comment: This sequence change replaces isoleucine with threonine at codon 130 of the COL12A1 protein (p.Ile130Thr). The isoleucine residue is moderately conserved and there is a moderate physicochemical difference between isoleucine and threonine. This variant is not present in population databases (ExAC no frequency). This variant has not been reported in the literature in individuals affected with COL12A1-related conditions. Algorithms developed to predict the effect of missense changes on protein structure and function are either unavailable or do not agree on the potential impact of this missense change (SIFT: "Deleterious"; PolyPhen-2: "Benign"; Align-GVGD: "Class C0"). In summary, the available evidence is currently insufficient to determine the role of this variant in disease. Therefore, it has been classified as a Variant of Uncertain Significance.